The following is an entry in ClinVar:

NM_004393.6(DAG1):c.2207T>G (p.Val736Gly)

Gene: DAG1 (dystroglycan 1; plus strand). Cytogenetic location: 3p21.31.
Variant type: single nucleotide variant.
Coding change: c.2207T>G on transcript NM_004393.6 (MANE Select); coding-DNA position 2207, T replaced by G.
Protein change: p.Val736Gly; replaces valine 736 with glycine.
Molecular consequence: missense variant.
Genome position (GRCh38, 1-based): chr3:49,532,718, T>G. VCF-style: chr3-49532718-T-G. GRCh37 (hg19) VCF-style: chr3-49570151-T-G.
Other names: c.2207T>G, p.Val736Gly (NM_001165928.4, NM_001177634.3, NM_001177635.3 and 9 more transcripts); short protein forms V736G.
Identifiers: ClinVar variation 2031827 (VCV002031827.5), dbSNP rs2472655525, ClinGen allele CA352797024.
Genomic context (GRCh38, chr3:49,532,718, plus strand): 5'-TACAGTTTATCCCTGTGGTACCACCCAGGAGAGTGCCCTCAGAGGCGCCGCCCACAGAAG[T>G]GCCTGACAGGGACCCTGAGAAGAGCAGTGAGGATGATGTCTACCTGCACACAGTCATTCC-3'
Protein context (NP_004384.5, residues 726-746): RVPSEAPPTE[Val736Gly]PDRDPEKSSE

ClinVar aggregate classification (germline): Uncertain significance. Review status: criteria provided, multiple submitters, no conflicts (2 of 4 stars). 2 submissions from 2 submitters: Uncertain significance (2). Last evaluated 2024-04-18.

Conditions:
Autosomal recessive limb-girdle muscular dystrophy type 2P. Also called: MUSCULAR DYSTROPHY-DYSTROGLYCANOPATHY, LIMB-GIRDLE, DAG1-RELATED; Limb-Girdle Muscular Dystrophy Type 9C; MUSCULAR DYSTROPHY, LIMB-GIRDLE, TYPE 2P. Identifiers: Orphanet 280333, MedGen C4511963, MONDO:0013440, OMIM 613818.
Muscular dystrophy-dystroglycanopathy (congenital with brain and eye anomalies), type A9. Also called: WALKER-WARBURG SYNDROME OR MUSCLE-EYE BRAIN DISEASE, DAG1-RELATED; Muscular dystrophy-dystroglycanopathy (congenital with brain and eye anomalies), type a, 9. Identifiers: Orphanet 370997, Orphanet 899, MedGen C4225291, MONDO:0014683, OMIM 616538.

Allele frequency attached by ClinVar (database versions not stated): gnomAD exomes below 0.00001.
gnomAD v4.1: 1 of 1,614,118 alleles (0.000062%); highest among the groups gnomAD compares: Non-Finnish European, 0.000085%; no homozygotes.

Submissions (2):

Revvity Omics, Revvity
Classification: Uncertain significance. Last evaluated: 2024-04-18. Review status: criteria provided, single submitter. Criteria: ACMG Guidelines, 2015. Collection method: clinical testing. Allele origin: germline.

Labcorp Genetics (formerly Invitae), Labcorp
Classification: Uncertain significance for Autosomal recessive limb-girdle muscular dystrophy type 2P; Muscular dystrophy-dystroglycanopathy (congenital with brain and eye anomalies), type A9. Last evaluated: 2022-08-09. Review status: criteria provided, single submitter. Criteria: Invitae Variant Classification Sherloc (09022015). Collection method: clinical testing. Allele origin: germline.
Comment: In summary, the available evidence is currently insufficient to determine the role of this variant in disease. Therefore, it has been classified as a Variant of Uncertain Significance. Algorithms developed to predict the effect of missense changes on protein structure and function (SIFT, PolyPhen-2, Align-GVGD) all suggest that this variant is likely to be tolerated. This variant has not been reported in the literature in individuals affected with DAG1-related conditions. This variant is not present in population databases (gnomAD no frequency). This sequence change replaces valine, which is neutral and non-polar, with glycine, which is neutral and non-polar, at codon 736 of the DAG1 protein (p.Val736Gly).